The following is an entry in ClinVar:

NM_004523.4(KIF11):c.2647C>T (p.Gln883Ter)

Gene: KIF11 (kinesin family member 11; plus strand). Cytogenetic location: 10q23.33.
Variant type: single nucleotide variant.
Coding change: c.2647C>T on transcript NM_004523.4 (MANE Select); coding-DNA position 2647, C replaced by T.
Protein change: p.Gln883Ter; replaces glutamine 883 with a stop codon.
Molecular consequence: nonsense.
Genome position (GRCh38, 1-based): chr10:92,648,311, C>T. VCF-style: chr10-92648311-C-T. GRCh37 (hg19) VCF-style: chr10-94408068-C-T.
Other names: short protein forms Q883*.
Identifiers: ClinVar variation 4975013 (VCV004975013.1).

ClinVar aggregate classification (germline): Pathogenic (1 of 4 stars; one submission).

Conditions:
Retinal disorder. Also called: Retinopathy; Retinopathies; Retinal Diseases; Retinal disorders. Identifiers: MedGen C0035309, MONDO:0005283, HP:0000488.

Submission:

North West Genomic Laboratory Hub, Manchester University NHS Foundation Trust
Classification: Pathogenic for Retinal disorders. Last evaluated: 2026-06-22. Review status: criteria provided, single submitter. Criteria: ACGS Best Practice Guidelines for Variant Classification in Rare Disease 2024. Collection method: clinical testing. Allele origin: germline. Affected: yes.
Comment: PVS1_VStr PM2_Mod PP4_Supp